The following is an entry in ClinVar:

ClinVar aggregate classification (germline): Uncertain significance. Review status: criteria provided, multiple submitters, no conflicts (2 of 4 stars). 2 submissions from 2 submitters: Uncertain significance (2). Last evaluated 2024-01-08.

Allele frequency attached by ClinVar (database versions not stated): ExAC 0.00001; gnomAD exomes 0.00001; TOPMed 0.00003.
gnomAD v4.1: 8 of 1,613,958 alleles (0.0005%); highest among the groups gnomAD compares: Non-Finnish European, 0.00068%; no homozygotes.

Submissions (2):

Ambry Genetics
Classification: Uncertain significance. Last evaluated: 2024-01-08. Review status: criteria provided, single submitter. Criteria: Ambry Variant Classification Scheme 2023. Collection method: clinical testing. Allele origin: germline.

Labcorp Genetics (formerly Invitae), Labcorp
Classification: Uncertain significance. Last evaluated: 2023-12-25. Review status: criteria provided, single submitter. Criteria: Invitae Variant Classification Sherloc (09022015). Collection method: clinical testing. Allele origin: germline.
Comment: This sequence change replaces proline, which is neutral and non-polar, with leucine, which is neutral and non-polar, at codon 976 of the NPAT protein (p.Pro976Leu). This variant is present in population databases (rs771180468, gnomAD 0.0009%). This variant has not been reported in the literature in individuals affected with NPAT-related conditions. ClinVar contains an entry for this variant (Variation ID: 2496703). An algorithm developed to predict the effect of missense changes on protein structure and function (PolyPhen-2) suggests that this variant is likely to be disruptive. In summary, the available evidence is currently insufficient to determine the role of this variant in disease. Therefore, it has been classified as a Variant of Uncertain Significance.

NM_002519.3(NPAT):c.2927C>T (p.Pro976Leu)

Gene: NPAT (nuclear protein, coactivator of histone transcription; minus strand). Cytogenetic location: 11q22.3.
Variant type: single nucleotide variant.
Coding change: c.2927C>T on transcript NM_002519.3 (MANE Select); coding-DNA position 2927, C replaced by T.
Protein change: p.Pro976Leu; replaces proline 976 with leucine.
Molecular consequence: missense variant.
Genome position (GRCh38, 1-based): chr11:108,169,827, G>A on the plus strand (C>T on the coding strand, the complement: NPAT is on the minus strand). VCF-style: chr11-108169827-G-A. GRCh37 (hg19) VCF-style: chr11-108040554-G-A.
Other names: c.2927C>T, p.Pro976Leu (NM_001321307.1); short protein forms P976L.
Identifiers: ClinVar variation 2496703 (VCV002496703.5), dbSNP rs771180468, ClinGen allele CA6263699.